The following is an entry in ClinVar:

NM_001352754.2(ARMC9):c.780G>A (p.Met260Ile)

Gene: ARMC9 (armadillo repeat containing 9; plus strand). Cytogenetic location: 2q37.1.
Variant type: single nucleotide variant.
Coding change: c.780G>A on transcript NM_001352754.2 (MANE Select); coding-DNA position 780, G replaced by A.
Protein change: p.Met260Ile; replaces methionine 260 with isoleucine.
Molecular consequence: missense variant. On other transcripts: non-coding transcript variant (1).
Genome position (GRCh38, 1-based): chr2:231,235,381, G>A. VCF-style: chr2-231235381-G-A. GRCh37 (hg19) VCF-style: chr2-232100094-G-A.
Other names: c.780G>A, p.Met260Ile (NM_001271466.4, NM_001291656.2, NM_001352755.2 and 5 more transcripts); short protein forms M260I.
Identifiers: ClinVar variation 2032340 (VCV002032340.4), dbSNP rs2469664223, ClinGen allele CA350951423.

ClinVar aggregate classification (germline): Uncertain significance (1 of 4 stars; one submission).

Allele frequency attached by ClinVar (database versions not stated): gnomAD exomes below 0.00001.
gnomAD v4.1: 2 of 1,614,040 alleles (0.00012%); highest among the groups gnomAD compares: Non-Finnish European, 0.00017%; no homozygotes.

Submission:

Labcorp Genetics (formerly Invitae), Labcorp
Classification: Uncertain significance. Last evaluated: 2022-05-27. Review status: criteria provided, single submitter. Criteria: Invitae Variant Classification Sherloc (09022015). Collection method: clinical testing. Allele origin: germline.
Comment: This variant has not been reported in the literature in individuals affected with ARMC9-related conditions. Experimental studies and prediction algorithms are not available or were not evaluated, and the functional significance of this variant is currently unknown. Variants that disrupt the consensus splice site are a relatively common cause of aberrant splicing (PMID: 17576681, 9536098). In summary, the available evidence is currently insufficient to determine the role of this variant in disease. Therefore, it has been classified as a Variant of Uncertain Significance. This variant is not present in population databases (gnomAD no frequency). This sequence change replaces methionine, which is neutral and non-polar, with isoleucine, which is neutral and non-polar, at codon 260 of the ARMC9 protein (p.Met260Ile). This variant also falls at the last nucleotide of exon 7, which is part of the consensus splice site for this exon.

Literature cited by the submitters: PubMed 17576681; PubMed 9536098.